The following is an entry in ClinVar:

ClinVar aggregate classification (germline): Uncertain significance (1 of 4 stars; one submission).

Submission:

Labcorp Genetics (formerly Invitae), Labcorp
Classification: Uncertain significance. Last evaluated: 2025-08-29. Review status: criteria provided, single submitter. Criteria: Invitae Variant Classification Sherloc (09022015). Collection method: clinical testing. Allele origin: germline.
Comment: This sequence change falls in intron 18 of the LZTR1 gene. It does not directly change the encoded amino acid sequence of the LZTR1 protein. This variant is not present in population databases (gnomAD no frequency). This variant has not been reported in the literature in individuals affected with LZTR1-related conditions. Algorithms developed to predict the effect of sequence changes on RNA splicing suggest that this variant may create or strengthen a splice site. In summary, the available evidence is currently insufficient to determine the role of this variant in disease. Therefore, it has been classified as a Variant of Uncertain Significance.

NM_006767.4(LZTR1):c.2219+19G>A

Gene: LZTR1 (leucine zipper like post translational regulator 1; plus strand). Cytogenetic location: 22q11.21.
Variant type: single nucleotide variant.
Coding change: c.2219+19G>A on transcript NM_006767.4 (MANE Select); 19 bases into the intron after coding-DNA position 2219, G replaced by A.
Molecular consequence: intron variant.
Genome position (GRCh38, 1-based): chr22:20,996,131, G>A. VCF-style: chr22-20996131-G-A. GRCh37 (hg19) VCF-style: chr22-21350420-G-A.
Identifiers: ClinVar variation 4700568 (VCV004700568.1).